The following is an entry in ClinVar:

NM_014268.4(MAPRE2):c.436G>C (p.Asp146His)

Gene: MAPRE2 (microtubule associated protein RP/EB family member 2; plus strand). Cytogenetic location: 18q12.2.
Variant type: single nucleotide variant.
Coding change: c.436G>C on transcript NM_014268.4 (MANE Select); coding-DNA position 436, G replaced by C.
Protein change: p.Asp146His; replaces aspartic acid 146 with histidine.
Molecular consequence: missense variant. On other transcripts: non-coding transcript variant (1).
Genome position (GRCh38, 1-based): chr18:35,101,985, G>C. VCF-style: chr18-35101985-G-C. GRCh37 (hg19) VCF-style: chr18-32681949-G-C.
Other names: c.307G>C, p.Asp103His (NM_001143826.3); c.400G>C, p.Asp134His (NM_001143827.3); c.277G>C, p.Asp93His (NM_001256420.2); short protein forms D103H, D134H, D146H, D93H.
Identifiers: ClinVar variation 5020805 (VCV005020805.1).

ClinVar aggregate classification (germline): Uncertain significance (1 of 4 stars; one submission).

Submission:

Dasa
Classification: Uncertain significance. Last evaluated: 2025-11-08. Review status: criteria provided, single submitter. Criteria: DASA Assertion Criteria. Collection method: clinical testing. Allele origin: germline.
Comment: NM_014268.4(MAPRE2):c.436G>C (p.Asp146His) is a missense variant that results in the substitution of aspartic acid with histidine. This variant is absent from population databases. Computational prediction algorithms are consistent with a deleterious effect. The currently available literature and clinical evidence are not sufficient to establish a definitive association between this variant and the reported condition. Therefore, this variant is classified as a variant of uncertain significance.